The following is an entry in ClinVar:

NM_006269.2(RP1):c.5945A>G (p.Asp1982Gly)

Genes: RP1 (RP1 axonemal microtubule associated; plus strand), LOC126860392 (CDK7 strongly-dependent group 2 enhancer GRCh37_chr8:55541319-55542518; plus strand). Cytogenetic location: 8q12.1.
Variant type: single nucleotide variant.
Coding change: c.5945A>G on transcript NM_006269.2 (MANE Select); coding-DNA position 5945, A replaced by G.
Protein change: p.Asp1982Gly; replaces aspartic acid 1982 with glycine.
Molecular consequence: missense variant. On other transcripts: intron variant (1).
Genome position (GRCh38, 1-based): chr8:54,629,827, A>G. VCF-style: chr8-54629827-A-G. GRCh37 (hg19) VCF-style: chr8-55542387-A-G.
Other names: c.787+7539A>G (NM_001375654.1); short protein forms D1982G.
Identifiers: ClinVar variation 1477181 (VCV001477181.6), dbSNP rs745530283, ClinGen allele CA4752154.
Genomic context (GRCh38, chr8:54,629,827, plus strand): 5'-CAGACAAAAATGTGTTCAGGGAAGAGAACAATAAAGCAAGTATGAGACAAAATCTTATTG[A>G]TAATGCCATTGGTGATATATTTGATCAGTTTTATTTCAGTAACACATTTGACTTGATGGG-3'
Protein context (NP_006260.1, residues 1972-1992): NKASMRQNLI[Asp1982Gly]NAIGDIFDQF

ClinVar aggregate classification (germline): Uncertain significance (1 of 4 stars; one submission).

Allele frequency attached by ClinVar (database versions not stated): gnomAD 0.00001; gnomAD exomes 0.00001; ExAC 0.00002; TOPMed 0.00002.
gnomAD v4.1: 8 of 1,613,052 alleles (0.0005%); highest among the groups gnomAD compares: African/African-American, 0.004%; no homozygotes.

Submission:

Labcorp Genetics (formerly Invitae), Labcorp
Classification: Uncertain significance. Last evaluated: 2022-08-30. Review status: criteria provided, single submitter. Criteria: Invitae Variant Classification Sherloc (09022015). Collection method: clinical testing. Allele origin: germline.
Comment: In summary, the available evidence is currently insufficient to determine the role of this variant in disease. Therefore, it has been classified as a Variant of Uncertain Significance. Algorithms developed to predict the effect of sequence changes on RNA splicing suggest that this variant may create or strengthen a splice site. Algorithms developed to predict the effect of missense changes on protein structure and function (SIFT, PolyPhen-2, Align-GVGD) all suggest that this variant is likely to be tolerated. ClinVar contains an entry for this variant (Variation ID: 1477181). This missense change has been observed in individual(s) with clinical features of retinitis pigmentosa (Invitae). This variant is present in population databases (rs745530283, gnomAD 0.01%). This sequence change replaces aspartic acid, which is acidic and polar, with glycine, which is neutral and non-polar, at codon 1982 of the RP1 protein (p.Asp1982Gly).